The following is an entry in ClinVar:

ClinVar aggregate classification (germline): Likely pathogenic. Review status: criteria provided, multiple submitters, no conflicts (2 of 4 stars). 2 submissions from 2 submitters: Likely pathogenic (2). Last evaluated 2024-09-03.

Conditions:
Familial cancer of breast. Also called: BREAST CANCER, FAMILIAL; hereditary breast carcinoma; Hereditary breast cancer. Identifiers: Orphanet 227535, MedGen C0346153, MONDO:0016419, OMIM 114480. Disease mechanism: loss of function.
BARD1-related disorder. Also called: BARD1-related condition.

Submissions (2):

Blueprint Genetics
Classification: Likely pathogenic for BARD1-related disorders. Last evaluated: 2024-09-03. Review status: criteria provided, single submitter. Criteria: ACMG Guidelines, 2015. Collection method: clinical testing. Allele origin: germline. Affected: yes. Observed: 1 variant allele.

Myriad Genetics, Inc.
Classification: Likely pathogenic for Familial cancer of breast. Last evaluated: 2023-05-18. Review status: criteria provided, single submitter. Criteria: Myriad Autosomal Dominant, Autosomal Recessive and X-Linked Classification Criteria (2023). Collection method: clinical testing. Allele origin: unknown.
Comment: This variant is considered likely pathogenic. This variant occurs within a consensus splice junction and is predicted to result in abnormal mRNA splicing of either an out-of-frame exon or an in-frame exon necessary for protein stability and/or normal function.

NM_000465.4(BARD1):c.364+2T>G

Gene: BARD1 (BRCA1 associated RING domain 1; minus strand). Cytogenetic location: 2q35.
Variant type: single nucleotide variant.
Coding change: c.364+2T>G on transcript NM_000465.4 (MANE Select); the canonical splice donor site of the intron after coding-DNA position 364, T replaced by G.
Molecular consequence: splice donor variant. On other transcripts: intron variant (2).
Genome position (GRCh38, 1-based): chr2:214,792,295, A>C on the plus strand (T>G on the coding strand, the complement: BARD1 is on the minus strand). VCF-style: chr2-214792295-A-C. GRCh37 (hg19) VCF-style: chr2-215657019-A-C.
Other names: c.158+17117T>G (NM_001282548.2); c.307+2T>G (NM_001282543.2); c.215+4766T>G (NM_001282545.2); c.364+2T>G (NM_001282549.2).
Identifiers: ClinVar variation 2583449 (VCV002583449.3), dbSNP rs2469560027, ClinGen allele CA350460705.